The following is an entry in ClinVar:

ClinVar aggregate classification (germline): Uncertain significance. Review status: criteria provided, multiple submitters, no conflicts (2 of 4 stars). 3 submissions from 3 submitters: Uncertain significance (3). Last evaluated 2024-05-21.

Conditions:
Idiopathic generalized epilepsy. Also called: Generalised epilepsy; EIG. Identifiers: MedGen C0270850, MONDO:0005579, OMIM 600669.
Hyperaldosteronism, familial, type IV (HALD4). Also called: FH IV; ALDOSTERONISM, PRIMARY, AND HYPERTENSION. Identifiers: Orphanet 642671, MedGen C4310756, MONDO:0014875, OMIM 617027.
Epilepsy, childhood absence, susceptibility to, 6. Identifiers: Orphanet 64280, MedGen C2749872, MONDO:0012763, OMIM 611942.

Allele frequency attached by ClinVar (database versions not stated): gnomAD 0.00001 and 0.00023; TOPMed 0.00024.
gnomAD v4.1: 33 of 1,610,560 alleles (0.002%); highest among the groups gnomAD compares: Non-Finnish European, 0.00025%; no homozygotes.

Submissions (3):

Labcorp Genetics (formerly Invitae), Labcorp
Classification: Uncertain significance for Idiopathic generalized epilepsy; Hyperaldosteronism, familial, type IV. Last evaluated: 2024-05-21. Review status: criteria provided, single submitter. Criteria: Invitae Variant Classification Sherloc (09022015). Collection method: clinical testing. Allele origin: germline.
Comment: This sequence change creates a premature translational stop signal (p.Glu127*) in the CACNA1H gene. It is expected to result in an absent or disrupted protein product. However, the current clinical and genetic evidence is not sufficient to establish whether loss-of-function variants in CACNA1H cause disease. This variant is not present in population databases (gnomAD no frequency). This variant has not been reported in the literature in individuals affected with CACNA1H-related conditions. ClinVar contains an entry for this variant (Variation ID: 390475). In summary, the available evidence is currently insufficient to determine the role of this variant in disease. Therefore, it has been classified as a Variant of Uncertain Significance.

Fulgent Genetics
Classification: Uncertain significance for Epilepsy, childhood absence, susceptibility to, 6; Hyperaldosteronism, familial, type IV. Last evaluated: 2024-04-14. Review status: criteria provided, single submitter. Criteria: ACMG Guidelines, 2015. Collection method: clinical testing. Allele origin: germline.

GeneDx
Classification: Uncertain significance. Last evaluated: 2020-02-01. Review status: criteria provided, single submitter. Criteria: GeneDx Variant Classification Process June 2021. Collection method: clinical testing. Allele origin: germline. Affected: yes.
Comment: Not observed in large population cohorts (Lek et al., 2016); Nonsense variant predicted to result in protein truncation or nonsense mediated decay in a gene for which loss-of-function is not a known mechanism of disease; Has not been previously published as pathogenic or benign to our knowledge

NM_021098.3(CACNA1H):c.379G>T (p.Glu127Ter)

Gene: CACNA1H (calcium voltage-gated channel subunit alpha1 H; plus strand). Cytogenetic location: 16p13.3.
Variant type: single nucleotide variant.
Coding change: c.379G>T on transcript NM_021098.3 (MANE Select); coding-DNA position 379, G replaced by T.
Protein change: p.Glu127Ter; replaces glutamic acid 127 with a stop codon.
Molecular consequence: nonsense.
Genome position (GRCh38, 1-based): chr16:1,195,051, G>T. VCF-style: chr16-1195051-G-T. GRCh37 (hg19) VCF-style: chr16-1245051-G-T.
Other names: c.379G>T, p.Glu127Ter (NM_001005407.2); short protein forms E127*.
Identifiers: ClinVar variation 390475 (VCV000390475.11), dbSNP rs761719764, ClinGen allele CA16607101.